The following is an entry in ClinVar:

ClinVar aggregate classification (germline): Likely pathogenic (1 of 4 stars; one submission).

Conditions:
Cardiomyopathy, dilated, 2l. Identifiers: MedGen C6012739, MONDO:0979236, OMIM 621237.

Submission:

3billion
Classification: Likely pathogenic for Cardiomyopathy, dilated, 2l. Last evaluated: 2025-09-10. Review status: criteria provided, single submitter. Criteria: ACMG Guidelines, 2015. Collection method: clinical testing. Allele origin: germline. Affected: yes.
Comment: The variant is not observed in the gnomAD v4.1.0 dataset. Predicted Consequence/Location: Stop-gained (nonsense): predicted to result in a loss or disruption of normal protein function through nonsense-mediated decay (NMD) or protein truncation. Multiple pathogenic variants are reported downstream of the variant. Therefore, this variant is classified as Likely pathogenic according to the recommendation of ACMG/AMP guideline.

NM_007078.3(LDB3):c.1180A>T (p.Lys394Ter)

Gene: LDB3 (LIM domain binding 3; plus strand). Cytogenetic location: 10q23.2.
Variant type: single nucleotide variant.
Coding change: c.1180A>T on transcript NM_007078.3 (MANE Select); coding-DNA position 1180, A replaced by T.
Protein change: p.Lys394Ter; replaces lysine 394 with a stop codon.
Molecular consequence: nonsense.
Genome position (GRCh38, 1-based): chr10:86,709,999, A>T. VCF-style: chr10-86709999-A-T. GRCh37 (hg19) VCF-style: chr10-88469756-A-T.
Other names: c.850A>T, p.Lys284Ter (NM_001080114.2); c.1195A>T, p.Lys399Ter (NM_001171610.2); c.991A>T, p.Lys331Ter (NM_001368064.1, NM_001368065.1); c.1039A>T, p.Lys347Ter (NM_001368066.1); short protein forms K284*, K331*, K347*, K394*, K399*.
Identifiers: ClinVar variation 4855267 (VCV004855267.1).
Genomic context (GRCh38, chr10:86,709,999, plus strand): 5'-GCCTCTTCAGCACCTGCCACCCACACCAGCTACAGTGAGGGCCCCGCCGCCCCTGCACCC[A>T]AGCCCCGGGTTGTCACCACTGCCAGCATCCGGCCTTCTGTCTACCAGCCAGGTAAGAGGC-3'